The following is an entry in ClinVar:

NM_000081.4(LYST):c.421C>T (p.Arg141Ter)

Gene: LYST (lysosomal trafficking regulator; minus strand). Cytogenetic location: 1q42.3.
Variant type: single nucleotide variant.
Coding change: c.421C>T on transcript NM_000081.4 (MANE Select); coding-DNA position 421, C replaced by T.
Protein change: p.Arg141Ter; replaces arginine 141 with a stop codon.
Molecular consequence: nonsense.
Genome position (GRCh38, 1-based): chr1:235,810,397, G>A on the plus strand (C>T on the coding strand, the complement: LYST is on the minus strand). VCF-style: chr1-235810397-G-A. GRCh37 (hg19) VCF-style: chr1-235973697-G-A.
Other names: c.421C>T, p.Arg141Ter (NM_001301365.1); short protein forms R141*.
Identifiers: ClinVar variation 3611681 (VCV003611681.2).

ClinVar aggregate classification (germline): Pathogenic (1 of 4 stars; one submission).

Conditions:
Chédiak-Higashi syndrome (CHS). Also called: Chediak-Higashi Syndrome. Identifiers: Orphanet 167, MedGen C0007965, MONDO:0008963, OMIM 214500.

Submission:

Labcorp Genetics (formerly Invitae), Labcorp
Classification: Pathogenic for Chédiak-Higashi syndrome. Last evaluated: 2024-09-11. Review status: criteria provided, single submitter. Criteria: Invitae Variant Classification Sherloc (09022015). Collection method: clinical testing. Allele origin: germline.
Comment: This sequence change creates a premature translational stop signal (p.Arg141*) in the LYST gene. It is expected to result in an absent or disrupted protein product. Loss-of-function variants in LYST are known to be pathogenic (PMID: 9215679, 11857544). This variant is present in population databases (rs201847422, gnomAD 0.0009%). This variant has not been reported in the literature in individuals affected with LYST-related conditions. For these reasons, this variant has been classified as Pathogenic.

Literature cited by the submitters: PubMed 9215679; PubMed 11857544.